The following is an entry in ClinVar:

NM_000925.4(PDHB):c.578del (p.Asp193fs)

Gene: PDHB (pyruvate dehydrogenase E1 subunit beta; minus strand). Cytogenetic location: 3p14.3.
Variant type: Deletion.
Coding change: c.578del on transcript NM_000925.4 (MANE Select); coding-DNA position 578, one base deleted (A; older notation c.578delA).
Protein change: p.Asp193fs; shifts the reading frame from aspartic acid 193.
Molecular consequence: frameshift variant. On other transcripts: non-coding transcript variant (1).
Genome position (GRCh38, 1-based): chr3:58,430,668, T deleted on the plus strand (A on the coding strand, the reverse complement: PDHB is on the minus strand). VCF-style (leftmost placement, unchanged base first): chr3-58430667-AT-A. GRCh37 (hg19) VCF-style: chr3-58416394-AT-A.
Other names: c.524del, p.Asp175fs (NM_001173468.2, NM_001315536.2); short protein forms D175fs, D193fs.
Identifiers: ClinVar variation 3014800 (VCV003014800.3), dbSNP rs2471367604, ClinGen allele CA2740094480.

ClinVar aggregate classification (germline): Pathogenic (1 of 4 stars; one submission).

Conditions:
Pyruvate dehydrogenase E1-beta deficiency (PDHBD). Identifiers: Orphanet 255138, Orphanet 765, MedGen C3279841, MONDO:0013580, OMIM 614111.

Submission:

Labcorp Genetics (formerly Invitae), Labcorp
Classification: Pathogenic for Pyruvate dehydrogenase E1-beta deficiency. Last evaluated: 2023-08-03. Review status: criteria provided, single submitter. Criteria: Invitae Variant Classification Sherloc (09022015). Collection method: clinical testing. Allele origin: germline.
Comment: For these reasons, this variant has been classified as Pathogenic. Algorithms developed to predict the effect of sequence changes on RNA splicing suggest that this variant may create or strengthen a splice site. This variant has not been reported in the literature in individuals affected with PDHB-related conditions. This variant is not present in population databases (gnomAD no frequency). This sequence change creates a premature translational stop signal (p.Asp193Valfs*8) in the PDHB gene. It is expected to result in an absent or disrupted protein product. Loss-of-function variants in PDHB are known to be pathogenic (PMID: 21914562, 25356417).

Literature cited by the submitters: PubMed 21914562; PubMed 25356417.